The following is an entry in ClinVar:

NM_000937.5(POLR2A):c.3070A>C (p.Asn1024His)

Gene: POLR2A (RNA polymerase II subunit A; plus strand). Cytogenetic location: 17p13.1.
Variant type: single nucleotide variant.
Coding change: c.3070A>C on transcript NM_000937.5 (MANE Select); coding-DNA position 3070, A replaced by C.
Protein change: p.Asn1024His; replaces asparagine 1024 with histidine.
Molecular consequence: missense variant.
Genome position (GRCh38, 1-based): chr17:7,503,621, A>C. VCF-style: chr17-7503621-A-C. GRCh37 (hg19) VCF-style: chr17-7406940-A-C.
Other names: short protein forms N1024H.
Identifiers: ClinVar variation 3600575 (VCV003600575.1).

ClinVar aggregate classification (germline): Uncertain significance (1 of 4 stars; one submission).

Submission:

GeneDx
Classification: Uncertain significance. Last evaluated: 2024-07-24. Review status: criteria provided, single submitter. Criteria: GeneDx Variant Classification Process June 2021. Collection method: clinical testing. Allele origin: germline. Affected: yes.
Comment: In silico analysis supports that this missense variant has a deleterious effect on protein structure/function; Has not been previously published as pathogenic or benign to our knowledge